The following is an entry in ClinVar:

NM_003076.5(SMARCD1):c.177+1G>C

Genes: SMARCD1 (SWI/SNF related BAF chromatin remodeling complex subunit D1; plus strand), LOC130007872 (ATAC-STARR-seq lymphoblastoid silent region 4446; plus strand). Cytogenetic location: 12q13.12.
Variant type: single nucleotide variant.
Coding change: c.177+1G>C on transcript NM_003076.5 (MANE Select); the canonical splice donor site of the intron after coding-DNA position 177, G replaced by C.
Molecular consequence: splice donor variant.
Genome position (GRCh38, 1-based): chr12:50,085,547, G>C. VCF-style: chr12-50085547-G-C. GRCh37 (hg19) VCF-style: chr12-50479330-G-C.
Other names: c.177+1G>C (NM_139071.3).
Identifiers: ClinVar variation 3900555 (VCV003900555.1).

ClinVar aggregate classification (germline): Uncertain significance (1 of 4 stars; one submission).

Submission:

GeneDx
Classification: Uncertain significance. Last evaluated: 2024-11-25. Review status: criteria provided, single submitter. Criteria: GeneDx Variant Classification Process June 2021. Collection method: clinical testing. Allele origin: germline. Affected: yes.
Comment: Not observed at significant frequency in large population cohorts (gnomAD); Has not been previously published as pathogenic or benign to our knowledge; Canonical splice site variant in a gene for which loss-of-function is not an established mechanism of disease